The following is an entry in ClinVar:

NM_018089.3(ANKZF1):c.1060C>T (p.Arg354Trp)

Gene: ANKZF1 (ankyrin repeat and zinc finger peptidyl tRNA hydrolase 1; plus strand). Cytogenetic location: 2q35.
Variant type: single nucleotide variant.
Coding change: c.1060C>T on transcript NM_018089.3 (MANE Select); coding-DNA position 1060, C replaced by T.
Protein change: p.Arg354Trp; replaces arginine 354 with tryptophan.
Molecular consequence: missense variant.
Genome position (GRCh38, 1-based): chr2:219,234,144, C>T. VCF-style: chr2-219234144-C-T. GRCh37 (hg19) VCF-style: chr2-220098866-C-T.
Other names: c.1060C>T, p.Arg354Trp (NM_001042410.2); c.430C>T, p.Arg144Trp (NM_001282792.2); short protein forms R354W, R144W.
Identifiers: ClinVar variation 1386129 (VCV001386129.6), dbSNP rs764559758, ClinGen allele CA2120957.

ClinVar aggregate classification (germline): Uncertain significance (1 of 4 stars; one submission).

Allele frequency attached by ClinVar (database versions not stated): gnomAD 0.00001 and 0.00002; TOPMed 0.00001; gnomAD exomes 0.00002 and 0.00003; ExAC 0.00003.

Submission:

Labcorp Genetics (formerly Invitae), Labcorp
Classification: Uncertain significance. Last evaluated: 2025-04-14. Review status: criteria provided, single submitter. Criteria: Invitae Variant Classification Sherloc (09022015). Collection method: clinical testing. Allele origin: germline.
Comment: This sequence change replaces arginine, which is basic and polar, with tryptophan, which is neutral and slightly polar, at codon 354 of the ANKZF1 protein (p.Arg354Trp). This variant is present in population databases (rs764559758, gnomAD 0.01%). This variant has not been reported in the literature in individuals affected with ANKZF1-related conditions. ClinVar contains an entry for this variant (Variation ID: 1386129). An algorithm developed to predict the effect of missense changes on protein structure and function outputs the following: PolyPhen-2: "Benign". The tryptophan amino acid residue is found in multiple mammalian species, which suggests that this missense change does not adversely affect protein function. In summary, the available evidence is currently insufficient to determine the role of this variant in disease. Therefore, it has been classified as a Variant of Uncertain Significance.